The following is an entry in ClinVar:

NM_133433.4(NIPBL):c.3401C>A (p.Ser1134Tyr)

Gene: NIPBL (NIPBL cohesin loading factor; plus strand). Cytogenetic location: 5p13.2.
Variant type: single nucleotide variant.
Coding change: c.3401C>A on transcript NM_133433.4 (MANE Select); coding-DNA position 3401, C replaced by A.
Protein change: p.Ser1134Tyr; replaces serine 1134 with tyrosine.
Molecular consequence: missense variant.
Genome position (GRCh38, 1-based): chr5:37,000,469, C>A. VCF-style: chr5-37000469-C-A. GRCh37 (hg19) VCF-style: chr5-37000571-C-A.
Other names: c.3401C>A, p.Ser1134Tyr (NM_015384.5); short protein forms S1134Y.
Identifiers: ClinVar variation 2784235 (VCV002784235.3), dbSNP rs1292140302, ClinGen allele CA359517806.

ClinVar aggregate classification (germline): Uncertain significance (1 of 4 stars; one submission).

Conditions:
Cornelia de Lange syndrome 1 (CDLS1). Also called: TYPUS DEGENERATIVUS AMSTELODAMENSIS; Brachmann de Lange syndrome; NIPBL-Related Cornelia de Lange Syndrome. Identifiers: Orphanet 199, MedGen C4551851, MONDO:0007387, OMIM 122470.

gnomAD v4.1: 1 of 1,613,204 alleles (0.000062%); highest among the groups gnomAD compares: Admixed American, 0.0017%; no homozygotes.

Submission:

Labcorp Genetics (formerly Invitae), Labcorp
Classification: Uncertain significance for Cornelia de Lange syndrome 1. Last evaluated: 2024-10-29. Review status: criteria provided, single submitter. Criteria: Invitae Variant Classification Sherloc (09022015). Collection method: clinical testing. Allele origin: germline.
Comment: This sequence change replaces serine, which is neutral and polar, with tyrosine, which is neutral and polar, at codon 1134 of the NIPBL protein (p.Ser1134Tyr). This variant is not present in population databases (gnomAD no frequency). This variant has not been reported in the literature in individuals affected with NIPBL-related conditions. Invitae Evidence Modeling of protein sequence and biophysical properties (such as structural, functional, and spatial information, amino acid conservation, physicochemical variation, residue mobility, and thermodynamic stability) indicates that this missense variant is not expected to disrupt NIPBL protein function with a negative predictive value of 95%. In summary, the available evidence is currently insufficient to determine the role of this variant in disease. Therefore, it has been classified as a Variant of Uncertain Significance.